The following is an entry in ClinVar:

ClinVar aggregate classification (germline): Benign. Review status: criteria provided, multiple submitters, no conflicts (2 of 4 stars). 3 submissions from 3 submitters: Benign (3). Last evaluated 2026-02-02.

Allele frequency attached by ClinVar (database versions not stated): 1000 Genomes Project 0.09125; 1000 Genomes Project 30x 0.09354; ESP Exome Variant Server 0.10726; gnomAD 0.11056 and 0.11188; TOPMed 0.11704; ExAC 0.11785; gnomAD exomes 0.11992.
gnomAD v4.1: 197,624 of 1,607,980 alleles (12%); highest among the groups gnomAD compares: Admixed American, 17%; 12,793 homozygotes.

Submissions (3):

Labcorp Genetics (formerly Invitae), Labcorp
Classification: Benign. Last evaluated: 2026-02-02. Review status: criteria provided, single submitter. Criteria: Invitae Variant Classification Sherloc (09022015). Collection method: clinical testing. Allele origin: germline.

GeneDx
Classification: Benign. Last evaluated: 2016-01-11. Review status: criteria provided, single submitter. Criteria: GeneDx Variant Classification (06012015). Collection method: clinical testing. Allele origin: germline. Affected: yes.
Comment: This variant is considered likely benign or benign based on one or more of the following criteria: it is a conservative change, it occurs at a poorly conserved position in the protein, it is predicted to be benign by multiple in silico algorithms, and/or has population frequency not consistent with disease.

Breakthrough Genomics
Classification: Benign. Review status: criteria provided, single submitter. Criteria: ACMG Guidelines, 2015. Collection method: not provided. Allele origin: germline. Inheritance: Autosomal recessive inheritance. Affected: yes.

NM_002291.3(LAMB1):c.462C>T (p.Ser154=)

Gene: LAMB1 (laminin subunit beta 1; minus strand). Cytogenetic location: 7q31.1.
Variant type: single nucleotide variant.
Coding change: c.462C>T on transcript NM_002291.3 (MANE Select); coding-DNA position 462, C replaced by T.
Protein change: p.Ser154=; no amino-acid change (serine 154 retained).
Molecular consequence: synonymous variant.
Genome position (GRCh38, 1-based): chr7:107,986,325, G>A on the plus strand (C>T on the coding strand, the complement: LAMB1 is on the minus strand). VCF-style: chr7-107986325-G-A. GRCh37 (hg19) VCF-style: chr7-107626770-G-A.
Identifiers: ClinVar variation 380836 (VCV000380836.11), dbSNP rs25659, ClinGen allele CA4436282.
Genomic context (GRCh38, chr7:107,986,325, plus strand): 5'-AAACGAGGCCTCACAGTCATAGGCGAAGTATCTATACACACCCCAGGTTTTCCCAAAGTC[G>A]GACGATCGTTCTATCAGCATAGCAGCTGGACGGAATGTCTAAAGGCAGGAGCAAAAATCT-3'
Protein context (NP_002282.2, residues 144-164): RPAAMLIERS[Ser154=]DFGKTWGVYR